The following is an entry in ClinVar:

ClinVar aggregate classification (germline): Uncertain significance (1 of 4 stars; one submission).

Submission:

CeGaT Center for Human Genetics Tuebingen
Classification: Uncertain significance. Last evaluated: 2025-08-01. Review status: criteria provided, single submitter. Criteria: CeGaT Center For Human Genetics Tuebingen Variant Classification Criteria Version 2. Collection method: clinical testing. Allele origin: germline. Affected: yes. Observed: 1 variant allele.
Comment: TTN: PM2, BP4

NM_001267550.2(TTN):c.100463A>C (p.Lys33488Thr)

Genes: TTN (titin; minus strand), TTN-AS1 (TTN antisense RNA 1; plus strand). Cytogenetic location: 2q31.2.
Variant type: single nucleotide variant.
Coding change: c.100463A>C on transcript NM_001267550.2 (MANE Select); coding-DNA position 100463, A replaced by C.
Protein change: p.Lys33488Thr; replaces lysine 33488 with threonine.
Molecular consequence: missense variant.
Genome position (GRCh38, 1-based): chr2:178,536,284, T>G on the plus strand (A>C on the coding strand, the complement: TTN is on the minus strand). VCF-style: chr2-178536284-T-G. GRCh37 (hg19) VCF-style: chr2-179401011-T-G.
Other names: c.95540A>C, p.Lys31847Thr (NM_001256850.1); c.73268A>C, p.Lys24423Thr (NM_003319.4); c.92759A>C, p.Lys30920Thr (NM_133378.4); c.73643A>C, p.Lys24548Thr (NM_133432.3); c.73844A>C, p.Lys24615Thr (NM_133437.4); short protein forms K24423T, K24548T, K24615T, K30920T, K31847T, K33488T.
Identifiers: ClinVar variation 3342131 (VCV003342131.16).